The following is an entry in ClinVar:

ClinVar aggregate classification (germline): Uncertain significance. Review status: criteria provided, multiple submitters, no conflicts (2 of 4 stars). 3 submissions from 3 submitters: Uncertain significance (3). Last evaluated 2025-10-14.

Conditions:
Achromatopsia 3 (ACHM3). Also called: ACHROMATOPSIA WITH MYOPIA; PINGELAPESE BLINDNESS; TOTAL COLORBLINDNESS WITH MYOPIA; ROD MONOCHROMACY 1; ROD MONOCHROMATISM 1. Identifiers: Orphanet 49382, MedGen C1849792, MONDO:0009875, OMIM 262300.

Allele frequency attached by ClinVar (database versions not stated): gnomAD exomes below 0.00001; TOPMed below 0.00001; ExAC 0.00001; gnomAD 0.00001.
gnomAD v4.1: 4 of 1,595,300 alleles (0.00025%); highest among the groups gnomAD compares: Admixed American, 0.0017%; no homozygotes.

Submissions (3):

Myriad Genetics, Inc.
Classification: Uncertain significance for Achromatopsia 3. Last evaluated: 2025-10-14. Review status: criteria provided, single submitter. Criteria: Myriad Autosomal Dominant, Autosomal Recessive and X-Linked Classification Criteria (2023). Collection method: clinical testing. Allele origin: unknown.
Comment: NM_019098.4(CNGB3):c.952G>A(G318R) is a missense variant classified as a variant of uncertain significance in the context of achromatopsia, CNGB3-related. G318R has not been observed in cases with relevant disease. Relevant functional assessments of this variant are not available in the literature. G318R has been observed in referenced population frequency databases. In summary, there is insufficient evidence to classify NM_019098.4(CNGB3):c.952G>A(G318R) as pathogenic or benign. Please note: this variant was assessed in the context of healthy population screening.

Blueprint Genetics
Classification: Uncertain significance. Last evaluated: 2022-11-04. Review status: criteria provided, single submitter. Criteria: ACMG Guidelines, 2015. Collection method: clinical testing. Allele origin: germline.

Labcorp Genetics (formerly Invitae), Labcorp
Classification: Uncertain significance. Last evaluated: 2022-07-18. Review status: criteria provided, single submitter. Criteria: Invitae Variant Classification Sherloc (09022015). Collection method: clinical testing. Allele origin: germline.
Comment: This sequence change replaces glycine, which is neutral and non-polar, with arginine, which is basic and polar, at codon 318 of the CNGB3 protein (p.Gly318Arg). This variant is present in population databases (rs760502027, gnomAD 0.0009%). This variant has not been reported in the literature in individuals affected with CNGB3-related conditions. ClinVar contains an entry for this variant (Variation ID: 1428596). Advanced modeling of protein sequence and biophysical properties (such as structural, functional, and spatial information, amino acid conservation, physicochemical variation, residue mobility, and thermodynamic stability) performed at Invitae indicates that this missense variant is expected to disrupt CNGB3 protein function. Algorithms developed to predict the effect of sequence changes on RNA splicing suggest that this variant may disrupt the consensus splice site. In summary, the available evidence is currently insufficient to determine the role of this variant in disease. Therefore, it has been classified as a Variant of Uncertain Significance.

NM_019098.5(CNGB3):c.952G>A (p.Gly318Arg)

Gene: CNGB3 (cyclic nucleotide gated channel subunit beta 3; minus strand). Cytogenetic location: 8q21.3.
Variant type: single nucleotide variant.
Coding change: c.952G>A on transcript NM_019098.5 (MANE Select); coding-DNA position 952, G replaced by A.
Protein change: p.Gly318Arg; replaces glycine 318 with arginine.
Molecular consequence: missense variant.
Genome position (GRCh38, 1-based): chr8:86,647,839, C>T on the plus strand (G>A on the coding strand, the complement: CNGB3 is on the minus strand). VCF-style: chr8-86647839-C-T. GRCh37 (hg19) VCF-style: chr8-87660067-C-T.
Other names: short protein forms G318R.
Identifiers: ClinVar variation 1428596 (VCV001428596.7), dbSNP rs760502027, ClinGen allele CA4800211.